The following is an entry in ClinVar:

ClinVar aggregate classification (germline): Pathogenic (1 of 4 stars; one submission).

Submission:

Labcorp Genetics (formerly Invitae), Labcorp
Classification: Pathogenic. Last evaluated: 2023-10-22. Review status: criteria provided, single submitter. Criteria: Invitae Variant Classification Sherloc (09022015). Collection method: clinical testing. Allele origin: germline.
Comment: This sequence change creates a premature translational stop signal (p.Ala375Profs*3) in the SLC1A4 gene. It is expected to result in an absent or disrupted protein product. Loss-of-function variants in SLC1A4 are known to be pathogenic (PMID: 26041762, 27848944, 30125339). This variant is present in population databases (rs759832744, gnomAD 0.0009%). This variant has not been reported in the literature in individuals affected with SLC1A4-related conditions. For these reasons, this variant has been classified as Pathogenic.

Literature cited by the submitters: PubMed 26041762; PubMed 27848944; PubMed 30125339.

NM_003038.5(SLC1A4):c.1123del (p.Ala375fs)

Gene: SLC1A4 (solute carrier family 1 member 4; plus strand). Cytogenetic location: 2p14.
Variant type: Deletion.
Coding change: c.1123del on transcript NM_003038.5 (MANE Select); coding-DNA position 1123, one base deleted (G; older notation c.1123delG).
Protein change: p.Ala375fs; shifts the reading frame from alanine 375.
Molecular consequence: frameshift variant.
Genome position (GRCh38, 1-based): chr2:65,018,159, G deleted; the last of 4 consecutive G bases (chr2:65,018,156-65,018,159); deleting any one gives the same sequence. VCF-style (leftmost placement, unchanged base first): chr2-65018155-CG-C. GRCh37 (hg19) VCF-style: chr2-65245289-CG-C.
Other names: c.229del, p.Ala77fs (NM_001193493.2); c.463del, p.Ala155fs (NM_001348406.2, NM_001348407.2); short protein forms A77fs, A155fs, A375fs.
Identifiers: ClinVar variation 2770938 (VCV002770938.3), dbSNP rs759832744, ClinGen allele CA1686073.
Genomic context (GRCh38, chr2:65,018,155, plus strand): 5'-GAAGTGCATTGAAGAGAACAATGGTGTGGACAAGAGGATCAGCAGGTTTATTCTCCCCAT[CG>C]GGGCCACCGTGAACATGGACGGAGCAGCCATCTTCCAGTGTGTGGCCGCGGTGTTCATTG-3'